The following is an entry in ClinVar:

ClinVar aggregate classification (germline): Uncertain significance (1 of 4 stars; one submission).

Submission:

GeneDx
Classification: Uncertain significance. Last evaluated: 2023-11-06. Review status: criteria provided, single submitter. Criteria: GeneDx Variant Classification Process June 2021. Collection method: clinical testing. Allele origin: germline. Affected: yes.
Comment: Not observed at significant frequency in large population cohorts (gnomAD); In silico analysis supports a deleterious effect on splicing; Has not been previously published as pathogenic or benign to our knowledge

NM_004656.4(BAP1):c.581-12G>A

Gene: BAP1 (BRCA1 associated deubiquitinase 1; minus strand). Cytogenetic location: 3p21.1.
Variant type: single nucleotide variant.
Coding change: c.581-12G>A on transcript NM_004656.4 (MANE Select); 12 bases into the intron before coding-DNA position 581, G replaced by A.
Molecular consequence: intron variant.
Genome position (GRCh38, 1-based): chr3:52,406,919, C>T on the plus strand (G>A on the coding strand, the complement: BAP1 is on the minus strand). VCF-style: chr3-52406919-C-T. GRCh37 (hg19) VCF-style: chr3-52440935-C-T.
Other names: c.581-12G>A (NM_001410772.1).
Identifiers: ClinVar variation 3364034 (VCV003364034.1).